The following is an entry in ClinVar:

ClinVar aggregate classification (germline): Uncertain significance. Review status: criteria provided, multiple submitters, no conflicts (2 of 4 stars). 2 submissions from 2 submitters: Uncertain significance (2). Last evaluated 2025-06-10.

Conditions:
Cardiovascular phenotype. Identifiers: MedGen CN230736.

Allele frequency attached by ClinVar (database versions not stated): TOPMed below 0.00001.

Submissions (2):

Ambry Genetics
Classification: Uncertain significance for Cardiovascular phenotype. Last evaluated: 2025-06-10. Review status: criteria provided, single submitter. Criteria: Ambry Variant Classification Scheme 2023. Collection method: clinical testing. Allele origin: germline.

GeneDx
Classification: Uncertain significance. Last evaluated: 2023-03-13. Review status: criteria provided, single submitter. Criteria: GeneDx Variant Classification Process June 2021. Collection method: clinical testing. Allele origin: germline. Affected: yes.
Comment: Has not been previously published as pathogenic or benign to our knowledge; Not observed at significant frequency in large population cohorts (gnomAD); In silico analysis supports that this missense variant does not alter protein structure/function

NM_006514.4(SCN10A):c.1027G>T (p.Ala343Ser)

Gene: SCN10A (sodium voltage-gated channel alpha subunit 10; minus strand). Cytogenetic location: 3p22.2.
Variant type: single nucleotide variant.
Coding change: c.1027G>T on transcript NM_006514.4 (MANE Select); coding-DNA position 1027, G replaced by T.
Protein change: p.Ala343Ser; replaces alanine 343 with serine.
Molecular consequence: missense variant.
Genome position (GRCh38, 1-based): chr3:38,757,083, C>A on the plus strand (G>T on the coding strand, the complement: SCN10A is on the minus strand). VCF-style: chr3-38757083-C-A. GRCh37 (hg19) VCF-style: chr3-38798574-C-A.
Other names: c.1027G>T, p.Ala343Ser (NM_001293306.2, NM_001293307.2); short protein forms A343S.
Identifiers: ClinVar variation 1769974 (VCV001769974.4), dbSNP rs2063816904, ClinGen allele CA352170136.